The following is an entry in ClinVar:

ClinVar aggregate classification (germline): Uncertain significance (1 of 4 stars; one submission).

gnomAD v4.1: 15 of 1,593,500 alleles (0.00094%); highest among the groups gnomAD compares: African/African-American, 0.0013%; no homozygotes.

Submission:

Labcorp Genetics (formerly Invitae), Labcorp
Classification: Uncertain significance. Last evaluated: 2022-10-07. Review status: criteria provided, single submitter. Criteria: Invitae Variant Classification Sherloc (09022015). Collection method: clinical testing. Allele origin: germline.
Comment: In summary, the available evidence is currently insufficient to determine the role of this variant in disease. Therefore, it has been classified as a Variant of Uncertain Significance. Advanced modeling of protein sequence and biophysical properties (such as structural, functional, and spatial information, amino acid conservation, physicochemical variation, residue mobility, and thermodynamic stability) performed at Invitae indicates that this missense variant is not expected to disrupt TONSL protein function. Algorithms developed to predict the effect of sequence changes on RNA splicing suggest that this variant may create or strengthen a splice site. ClinVar contains an entry for this variant (Variation ID: 1417382). This variant has not been reported in the literature in individuals affected with TONSL-related conditions. The frequency data for this variant in the population databases is considered unreliable, as metrics indicate poor data quality at this position in the gnomAD database. This sequence change replaces arginine, which is basic and polar, with serine, which is neutral and polar, at codon 844 of the TONSL protein (p.Arg844Ser).

NM_013432.5(TONSL):c.2530C>A (p.Arg844Ser)

Genes: TONSL (tonsoku like, DNA repair protein; minus strand), TONSL-AS1 (TONSL antisense RNA 1; plus strand). Cytogenetic location: 8q24.3.
Variant type: single nucleotide variant.
Coding change: c.2530C>A on transcript NM_013432.5 (MANE Select); coding-DNA position 2530, C replaced by A.
Protein change: p.Arg844Ser; replaces arginine 844 with serine.
Molecular consequence: missense variant.
Genome position (GRCh38, 1-based): chr8:144,435,903, G>T on the plus strand (C>A on the coding strand, the complement: TONSL is on the minus strand). VCF-style: chr8-144435903-G-T. GRCh37 (hg19) VCF-style: chr8-145661286-G-T.
Other names: short protein forms R844S.
Identifiers: ClinVar variation 1417382 (VCV001417382.8), dbSNP rs200813129, ClinGen allele CA4942798.